The following is an entry in ClinVar:

ClinVar aggregate classification (germline): Pathogenic. Review status: criteria provided, multiple submitters, no conflicts (2 of 4 stars). 2 submissions from 2 submitters: Pathogenic (2). Last evaluated 2026-05-11.

Conditions:
Hereditary cancer-predisposing syndrome. Also called: Hereditary neoplastic syndrome; Tumor predisposition; Hereditary Cancer Syndrome; Neoplastic Syndromes, Hereditary. Identifiers: Orphanet 140162, MedGen C0027672, MeSH D009386, MONDO:0015356.
Ataxia-telangiectasia syndrome (AT). Also called: LOUIS-BAR SYNDROME; Cerebello-oculocutaneous telangiectasia; Immunodeficiency with ataxia telangiectasia; Ataxia-telangiectasia, complementation group D; AT, COMPLEMENTATION GROUP C; ATAXIA-TELANGIECTASIA, COMPLEMENTATION GROUP A. Identifiers: Orphanet 100, MedGen C0004135, MONDO:0008840, OMIM 208900.

Submissions (2):

Ambry Genetics
Classification: Pathogenic for Hereditary cancer-predisposing syndrome. Last evaluated: 2026-05-11. Review status: criteria provided, single submitter. Criteria: Ambry Variant Classification Scheme 2023. Collection method: clinical testing. Allele origin: germline.
Comment: The c.5048delT pathogenic mutation, located in coding exon 33 of the ATM gene, results from a deletion of one nucleotide at nucleotide position 5048, causing a translational frameshift with a predicted alternate stop codon (p.F1683Sfs*4). This variant is considered to be rare based on population cohorts in the Genome Aggregation Database (gnomAD). This alteration is expected to result in loss of function by premature protein truncation or nonsense-mediated mRNA decay. As such, this alteration is interpreted as a disease-causing mutation.

Labcorp Genetics (formerly Invitae), Labcorp
Classification: Pathogenic for Ataxia-telangiectasia syndrome. Last evaluated: 2024-08-13. Review status: criteria provided, single submitter. Criteria: Invitae Variant Classification Sherloc (09022015). Collection method: clinical testing. Allele origin: germline.
Comment: This sequence change creates a premature translational stop signal (p.Phe1683Serfs*4) in the ATM gene. It is expected to result in an absent or disrupted protein product. Loss-of-function variants in ATM are known to be pathogenic (PMID: 23807571, 25614872). This variant is not present in population databases (gnomAD no frequency). This variant has not been reported in the literature in individuals affected with ATM-related conditions. For these reasons, this variant has been classified as Pathogenic.

Literature cited by the submitters: PubMed 23807571 (cited by Labcorp Genetics (formerly Invitae), Labcorp); PubMed 25614872 (cited by Labcorp Genetics (formerly Invitae), Labcorp).

NM_000051.4(ATM):c.5048del (p.Phe1683fs)

Gene: ATM (ATM serine/threonine kinase; plus strand). Cytogenetic location: 11q22.3.
Variant type: Deletion.
Coding change: c.5048del on transcript NM_000051.4 (MANE Select); coding-DNA position 5048, one base deleted (T; older notation c.5048delT).
Protein change: p.Phe1683fs; shifts the reading frame from phenylalanine 1683.
Molecular consequence: frameshift variant.
Genome position (GRCh38, 1-based): chr11:108,299,756, T deleted; the last of 3 consecutive T bases (chr11:108,299,754-108,299,756); deleting any one gives the same sequence. VCF-style (leftmost placement, unchanged base first): chr11-108299753-AT-A. GRCh37 (hg19) VCF-style: chr11-108170480-AT-A.
Other names: c.5048del, p.Phe1683fs (NM_001351834.2); short protein forms F1683fs.
Identifiers: ClinVar variation 3658180 (VCV003658180.3).